The following is an entry in ClinVar:

ClinVar aggregate classification (germline): Uncertain significance (1 of 4 stars; one submission).

Submission:

Clinical Genomics Laboratory, Laboratory for Precision Diagnostics, University of Washington
Classification: Uncertain significance. Last evaluated: 2023-02-28. Review status: criteria provided, single submitter. Criteria: ACMG/ClinGen CNV Guidelines, 2019. Collection method: clinical testing. Allele origin: unknown. Affected: yes. Observed: 1 variant allele.
Comment: This interstitial duplication is approximately 443 kb in size and involves five protein-coding genes. The distal breakpoint of the duplication lies within MSRA and the proximal breakpoint lies within C8orf74. It is unknown if this duplication disrupts MSRA or C8orf74 or affects expression of these genes. Neither of these genes is known to be associated with health problems in humans. None of the genes that are entirely located within the duplicated region (PRSS55, RP1L1 and MIR4286) are known to cause medical problems in humans when an extra copy is present (triplosensitivity), and this specific duplication is not a known triplosensitive genomic region. The duplication does lie within the much larger 3.68 Mb recurrent 8p23.1 duplication, for which there is evidence of dosage sensitivity. Barber et al. 2015 described four unrelated individuals and another five families, all of whom had smaller duplications within the larger recurrent duplication. The duplications found in this series of people narrowed the smallest region of overlap (SRO) to a 776 kb region [GRCh38 chr8:10310371-11086326]. Patients 3 and 4 from the PMID: 26097203 series have duplications that are similar to the SRO. In both cases, the duplication was inherited from their mothers who are both healthy adults with no clinical concerns. There is one person (300408) in the DECIPHER database with a duplication similar to the one in this patient, but their clinical features and inheritance of the duplication are both unknown. There are three duplications in ClinVar with similar breakpoints as seen in this patient, classified variously as benign, uncertain significance, and likely pathogenic. This duplication is also found in healthy control populations at a low frequency (Database of Genomic variants, gssvG36449).

Literature cited by the submitters: PubMed 26097203.

GRCh38/hg38 8p23.1(chr8:10248993-10692257)x3

Genes: C8orf74 (chromosome 8 open reading frame 74), LINC03022 (long independently transcribed non-coding RNA 3022), MIR4286 (microRNA 4286), MSRA (methionine sulfoxide reductase A), PRSS51 (serine protease 51) and 7 more. Cytogenetic location: 8p23.1.
Variant type: copy number gain.
Change: copy number 3 (three copies instead of two) of chr8:10,248,993-10,692,257 (443.3 kb, GRCh38 coordinates, 1-based), cytogenetic band 8p23.1.
Identifiers: ClinVar variation 4890923 (VCV004890923.1).